The following is an entry in ClinVar:

ClinVar aggregate classification (germline): Uncertain significance (1 of 4 stars; one submission).

Conditions:
Early Myoclonic Encephalopathy. Identifiers: MedGen C0270855.

gnomAD v4.1: 20 of 1,613,900 alleles (0.0012%); highest among the groups gnomAD compares: South Asian, 0.022%; no homozygotes.

Submission:

Labcorp Genetics (formerly Invitae), Labcorp
Classification: Uncertain significance for Early Myoclonic Encephalopathy. Last evaluated: 2024-08-31. Review status: criteria provided, single submitter. Criteria: Invitae Variant Classification Sherloc (09022015). Collection method: clinical testing. Allele origin: germline.
Comment: This sequence change replaces threonine, which is neutral and polar, with isoleucine, which is neutral and non-polar, at codon 1037 of the JMJD1C protein (p.Thr1037Ile). This variant is present in population databases (rs768099139, gnomAD 0.01%). This variant has not been reported in the literature in individuals affected with JMJD1C-related conditions. Invitae Evidence Modeling of protein sequence and biophysical properties (such as structural, functional, and spatial information, amino acid conservation, physicochemical variation, residue mobility, and thermodynamic stability) has been performed for this missense variant. However, the output from this modeling did not meet the statistical confidence thresholds required to predict the impact of this variant on JMJD1C protein function. In summary, the available evidence is currently insufficient to determine the role of this variant in disease. Therefore, it has been classified as a Variant of Uncertain Significance.

NM_032776.3(JMJD1C):c.3110C>T (p.Thr1037Ile)

Gene: JMJD1C (jumonji domain containing 1C; minus strand). Cytogenetic location: 10q21.3.
Variant type: single nucleotide variant.
Coding change: c.3110C>T on transcript NM_032776.3 (MANE Select); coding-DNA position 3110, C replaced by T.
Protein change: p.Thr1037Ile; replaces threonine 1037 with isoleucine.
Molecular consequence: missense variant. On other transcripts: non-coding transcript variant (1).
Genome position (GRCh38, 1-based): chr10:63,208,559, G>A on the plus strand (C>T on the coding strand, the complement: JMJD1C is on the minus strand). VCF-style: chr10-63208559-G-A. GRCh37 (hg19) VCF-style: chr10-64968319-G-A.
Other names: c.2564C>T, p.Thr855Ile (NM_001282948.2, NM_001318154.2); c.2246C>T, p.Thr749Ile (NM_001318153.2); c.2996C>T, p.Thr999Ile (NM_001322252.2); c.2453C>T, p.Thr818Ile (NM_001322254.2, NM_001322258.2); short protein forms T1037I, T749I, T818I, T855I, T999I.
Identifiers: ClinVar variation 3678399 (VCV003678399.2).